The following is an entry in ClinVar:

ClinVar aggregate classification (germline): Uncertain significance. Review status: criteria provided, multiple submitters, no conflicts (2 of 4 stars). 2 submissions from 2 submitters: Uncertain significance (2). Last evaluated 2024-06-11.

Conditions:
Hermansky-Pudlak syndrome 2 (HPS2). Also called: Platelet defects and oculocutaneous albinism. Identifiers: Orphanet 183678, Orphanet 79430, MedGen C1842362, MONDO:0011997, OMIM 608233.

gnomAD v4.1: 2 of 1,611,162 alleles (0.00012%); no homozygotes.

Submissions (2):

Blueprint Genetics
Classification: Uncertain significance. Last evaluated: 2024-06-11. Review status: criteria provided, single submitter. Criteria: ACMG Guidelines, 2015. Collection method: clinical testing. Allele origin: germline.

Labcorp Genetics (formerly Invitae), Labcorp
Classification: Uncertain significance for Hermansky-Pudlak syndrome 2. Last evaluated: 2022-04-24. Review status: criteria provided, single submitter. Criteria: Invitae Variant Classification Sherloc (09022015). Collection method: clinical testing. Allele origin: germline.
Comment: This variant is not present in population databases (gnomAD no frequency). In summary, the available evidence is currently insufficient to determine the role of this variant in disease. Therefore, it has been classified as a Variant of Uncertain Significance. Algorithms developed to predict the effect of missense changes on protein structure and function are either unavailable or do not agree on the potential impact of this missense change (SIFT: "Deleterious"; PolyPhen-2: "Probably Damaging"; Align-GVGD: "Class C0"). This variant has not been reported in the literature in individuals affected with AP3B1-related conditions. This sequence change replaces arginine, which is basic and polar, with leucine, which is neutral and non-polar, at codon 104 of the AP3B1 protein (p.Arg104Leu).

NM_003664.5(AP3B1):c.311G>T (p.Arg104Leu)

Gene: AP3B1 (adaptor related protein complex 3 subunit beta 1; minus strand). Cytogenetic location: 5q14.1.
Variant type: single nucleotide variant.
Coding change: c.311G>T on transcript NM_003664.5 (MANE Select); coding-DNA position 311, G replaced by T.
Protein change: p.Arg104Leu; replaces arginine 104 with leucine.
Molecular consequence: missense variant.
Genome position (GRCh38, 1-based): chr5:78,228,208, C>A on the plus strand (G>T on the coding strand, the complement: AP3B1 is on the minus strand). VCF-style: chr5-78228208-C-A. GRCh37 (hg19) VCF-style: chr5-77524032-C-A.
Other names: c.164G>T, p.Arg55Leu (NM_001271769.2); c.311G>T, p.Arg104Leu (NM_001410752.1); short protein forms R55L, R104L.
Identifiers: ClinVar variation 1991629 (VCV001991629.5), dbSNP rs2478720239, ClinGen allele CA360191800.